The following is an entry in ClinVar:

NM_004260.4(RECQL4):c.2717T>A (p.Ile906Lys)

Gene: RECQL4 (RecQ like helicase 4; minus strand). Cytogenetic location: 8q24.3.
Variant type: single nucleotide variant.
Coding change: c.2717T>A on transcript NM_004260.4 (MANE Select); coding-DNA position 2717, T replaced by A.
Protein change: p.Ile906Lys; replaces isoleucine 906 with lysine.
Molecular consequence: missense variant. On other transcripts: non-coding transcript variant (3).
Genome position (GRCh38, 1-based): chr8:144,512,885, A>T on the plus strand (T>A on the coding strand, the complement: RECQL4 is on the minus strand). VCF-style: chr8-144512885-A-T. GRCh37 (hg19) VCF-style: chr8-145738268-A-T.
Other names: c.2423T>A, p.Ile808Lys (NM_001413017.1); c.2519T>A, p.Ile840Lys (NM_001413018.1); c.2717T>A, p.Ile906Lys (NM_001413019.1, NM_001413036.1); c.2621T>A, p.Ile874Lys (NM_001413020.1); c.1646T>A, p.Ile549Lys (NM_001413021.1, NM_001413022.1, NM_001413023.1 and 5 more transcripts); c.2588T>A, p.Ile863Lys (NM_001413025.1); c.1580T>A, p.Ile527Lys (NM_001413027.1, NM_001413030.1, NM_001413032.1 and 1 more transcripts); c.2366T>A, p.Ile789Lys (NM_001413029.1); and 6 more; short protein forms I483K, I505K, I527K, I539K, I549K, I862K, I417K, I789K.
Identifiers: ClinVar variation 2764837 (VCV002764837.3), dbSNP rs2537997354, ClinGen allele CA372675021.

ClinVar aggregate classification (germline): Uncertain significance (1 of 4 stars; one submission).

Conditions:
Baller-Gerold syndrome (BGS). Also called: CRANIOSYNOSTOSIS WITH RADIAL DEFECTS. Identifiers: Orphanet 1225, MedGen C0265308, MONDO:0009039, OMIM 218600.

Submission:

Labcorp Genetics (formerly Invitae), Labcorp
Classification: Uncertain significance for Baller-Gerold syndrome. Last evaluated: 2024-05-21. Review status: criteria provided, single submitter. Criteria: Invitae Variant Classification Sherloc (09022015). Collection method: clinical testing. Allele origin: germline.
Comment: This sequence change replaces isoleucine, which is neutral and non-polar, with lysine, which is basic and polar, at codon 906 of the RECQL4 protein (p.Ile906Lys). This variant is not present in population databases (gnomAD no frequency). This variant has not been reported in the literature in individuals affected with RECQL4-related conditions. Advanced modeling of protein sequence and biophysical properties (such as structural, functional, and spatial information, amino acid conservation, physicochemical variation, residue mobility, and thermodynamic stability) performed at Invitae indicates that this missense variant is not expected to disrupt RECQL4 protein function with a negative predictive value of 80%. In summary, the available evidence is currently insufficient to determine the role of this variant in disease. Therefore, it has been classified as a Variant of Uncertain Significance.